The following is an entry in ClinVar:

NM_001365951.3(KIF1B):c.982G>T (p.Val328Phe)

Gene: KIF1B (kinesin family member 1B; plus strand). Cytogenetic location: 1p36.22.
Variant type: single nucleotide variant.
Coding change: c.982G>T on transcript NM_001365951.3 (MANE Select); coding-DNA position 982, G replaced by T.
Protein change: p.Val328Phe; replaces valine 328 with phenylalanine.
Molecular consequence: missense variant.
Genome position (GRCh38, 1-based): chr1:10,276,344, G>T. VCF-style: chr1-10276344-G-T. GRCh37 (hg19) VCF-style: chr1-10336402-G-T.
Other names: c.982G>T, p.Val328Phe (NM_001365952.1); c.964G>T, p.Val322Phe (NM_001365953.1, NM_015074.3, NM_183416.4); short protein forms V328F, V322F.
Identifiers: ClinVar variation 2448717 (VCV002448717.2), dbSNP rs1480952079, ClinGen allele CA338332859.

ClinVar aggregate classification (germline): Uncertain significance (1 of 4 stars; one submission).

gnomAD v4.1: 1 of 1,613,876 alleles (0.000062%); highest among the groups gnomAD compares: Non-Finnish European, 0.000085%; no homozygotes.

Submission:

Ambry Genetics
Classification: Uncertain significance. Last evaluated: 2022-12-01. Review status: criteria provided, single submitter. Criteria: Ambry Variant Classification Scheme 2023. Collection method: clinical testing. Allele origin: germline.
Comment: The p.V322F variant (also known as c.964G>T), located in coding exon 10 of the KIF1B gene, results from a G to T substitution at nucleotide position 964. The valine at codon 322 is replaced by phenylalanine, an amino acid with highly similar properties. This amino acid position is conserved. In addition, this alteration is predicted to be deleterious by in silico analysis. Since supporting evidence is limited at this time, the clinical significance of this alteration remains unclear.